The following is an entry in ClinVar:

ClinVar aggregate classification (germline): Conflicting classifications of pathogenicity. Review status: criteria provided, conflicting classifications (1 of 4 stars). 2 submissions from 2 submitters: Likely pathogenic (1); Uncertain significance (1). Last evaluated 2025-04-28.

Conditions:
Pheochromocytoma. Also called: MAX-Related Hereditary Paraganglioma-Pheochromocytoma Syndrome. Identifiers: Orphanet 29072, MedGen C0031511, MONDO:0008233, OMIM 171300, HP:0002666.
Pheochromocytoma/paraganglioma syndrome 4. Also called: CAROTID BODY TUMORS AND MULTIPLE EXTRAADRENAL PHEOCHROMOCYTOMAS; PARAGANGLIOMA, FAMILIAL MALIGNANT; PARAGANGLIOMAS, HEREDITARY EXTRAADRENAL; PHEOCHROMOCYTOMA, FAMILIAL EXTRAADRENAL; Paragangliomas 4; SDHB-Related Hereditary Paraganglioma-Pheochromocytoma Syndrome (Paragangliomas 4). Identifiers: Orphanet 29072, MedGen C1861848, MONDO:0007273, OMIM 115310.
Gastrointestinal stromal tumor. Also called: Gastrointestinal stromal tumor, somatic; Gastrointestinal stroma tumor. Identifiers: Orphanet 44890, MedGen C0238198, MeSH D046152, MONDO:0011719, OMIM 606764, HP:0100723.
Hereditary cancer-predisposing syndrome. Also called: Neoplastic Syndromes, Hereditary; Tumor predisposition; Hereditary Cancer Syndrome; Hereditary neoplastic syndrome. Identifiers: Orphanet 140162, MedGen C0027672, MeSH D009386, MONDO:0015356.

Allele frequency attached by ClinVar (database versions not stated): TOPMed below 0.00001.

Submissions (2):

Labcorp Genetics (formerly Invitae), Labcorp
Classification: Uncertain significance for Gastrointestinal stromal tumor; Pheochromocytoma/paraganglioma syndrome 4; Pheochromocytoma. Last evaluated: 2025-04-28. Review status: criteria provided, single submitter. Criteria: Invitae Variant Classification Sherloc (09022015). Collection method: clinical testing. Allele origin: germline.
Comment: This sequence change replaces leucine, which is neutral and non-polar, with proline, which is neutral and non-polar, at codon 180 of the SDHB protein (p.Leu180Pro). This variant is not present in population databases (gnomAD no frequency). This variant has not been reported in the literature in individuals affected with SDHB-related conditions. ClinVar contains an entry for this variant (Variation ID: 1747279). An algorithm developed to predict the effect of missense changes on protein structure and function (PolyPhen-2) suggests that this variant is likely to be disruptive. In summary, the available evidence is currently insufficient to determine the role of this variant in disease. Therefore, it has been classified as a Variant of Uncertain Significance.

Ambry Genetics
Classification: Likely pathogenic for Hereditary cancer-predisposing syndrome. Last evaluated: 2024-07-01. Review status: criteria provided, single submitter. Criteria: Ambry Variant Classification Scheme 2023. Collection method: clinical testing. Allele origin: germline.
Comment: The p.L180P variant (also known as c.539T>C), located in coding exon 5 of the SDHB gene, results from a T to C substitution at nucleotide position 539. The leucine at codon 180 is replaced by proline, an amino acid with similar properties. Based on internal structural analysis, L180P decreases the structure stability (Ambry internal data; Inaoka DK et al. Int J Mol Sci, 2015 Jul;16:15287-308). This amino acid position is highly conserved in available vertebrate species. In addition, this alteration is predicted to be deleterious by in silico analysis. This variant is considered to be rare based on population cohorts in the Genome Aggregation Database (gnomAD). Based on the majority of available evidence to date, this variant is likely to be pathogenic.

Literature cited by the submitters: PubMed 26198225 (cited by Ambry Genetics).

NM_003000.3(SDHB):c.539T>C (p.Leu180Pro)

Gene: SDHB (succinate dehydrogenase complex iron sulfur subunit B; minus strand). Cytogenetic location: 1p36.13.
Variant type: single nucleotide variant.
Coding change: c.539T>C on transcript NM_003000.3 (MANE Select); coding-DNA position 539, T replaced by C.
Protein change: p.Leu180Pro; replaces leucine 180 with proline.
Molecular consequence: missense variant.
Genome position (GRCh38, 1-based): chr1:17,027,750, A>G on the plus strand (T>C on the coding strand, the complement: SDHB is on the minus strand). VCF-style: chr1-17027750-A-G. GRCh37 (hg19) VCF-style: chr1-17354245-A-G.
Other names: c.485T>C, p.Leu162Pro (NM_001407361.1); short protein forms L180P, L162P.
Identifiers: ClinVar variation 1747279 (VCV001747279.6), dbSNP rs1210181271, ClinGen allele CA338272400.